The following is an entry in ClinVar:

NM_016239.4(MYO15A):c.5189T>A (p.Leu1730Gln)

Gene: MYO15A (myosin XVA; plus strand). Cytogenetic location: 17p11.2.
Variant type: single nucleotide variant.
Coding change: c.5189T>A on transcript NM_016239.4 (MANE Select); coding-DNA position 5189, T replaced by A.
Protein change: p.Leu1730Gln; replaces leucine 1730 with glutamine.
Molecular consequence: missense variant.
Genome position (GRCh38, 1-based): chr17:18,139,589, T>A. VCF-style: chr17-18139589-T-A. GRCh37 (hg19) VCF-style: chr17-18042903-T-A.
Other names: short protein forms L1730Q.
Identifiers: ClinVar variation 4529478 (VCV004529478.1).

ClinVar aggregate classification (germline): Uncertain significance (1 of 4 stars; one submission).

Conditions:
Monogenic hearing loss.

Submission:

Genetics Laboratory, Great Ormond Street Hospital NHS Foundation Trust, North Thames Genomic Laboratory Hub
Classification: Uncertain significance for Monogenic hearing loss. Last evaluated: 2025-09-19. Review status: criteria provided, single submitter. Criteria: ACGS Best Practice Guidelines for Variant Classification in Rare Disease 2024 v1.2. Collection method: clinical testing. Allele origin: germline. Affected: yes.
Comment: PM2_moderate, PP3_supporting, PM3_moderate